The following is an entry in ClinVar:

NM_006904.7(PRKDC):c.11954T>C (p.Val3985Ala)

Gene: PRKDC (protein kinase, DNA-activated, catalytic subunit; minus strand). Cytogenetic location: 8q11.21.
Variant type: single nucleotide variant.
Coding change: c.11954T>C on transcript NM_006904.7 (MANE Select); coding-DNA position 11954, T replaced by C.
Protein change: p.Val3985Ala; replaces valine 3985 with alanine.
Molecular consequence: missense variant.
Genome position (GRCh38, 1-based): chr8:47,777,774, A>G on the plus strand (T>C on the coding strand, the complement: PRKDC is on the minus strand). VCF-style: chr8-47777774-A-G. GRCh37 (hg19) VCF-style: chr8-48690335-A-G.
Other names: c.11861T>C, p.Val3954Ala (NM_001081640.2); short protein forms V3954A, V3985A.
Identifiers: ClinVar variation 1045075 (VCV001045075.3), dbSNP rs1370766129, ClinGen allele CA371128186.
Genomic context (GRCh38, chr8:47,777,774, plus strand): 5'-AACACATCCATGGTGTTGGTGAGCAGGCCAGGGTCTGAGCGGAAGGCCCGGAGTGCGTGT[A>G]CCATGATGCTGTACATAAGGCCCGTTTCTTTCATTGGTAACATCAGATTGATAAACTGGC-3'
Protein context (NP_008835.5, residues 3975-3995): KETGLMYSIM[Val3985Ala]HALRAFRSDP

ClinVar aggregate classification (germline): Uncertain significance (1 of 4 stars; one submission).

Conditions:
Severe combined immunodeficiency due to DNA-PKcs deficiency. Also called: IMMUNODEFICIENCY 26 WITH NEUROLOGIC ABNORMALITIES; Immunodeficiency 26 with or without neurologic abnormalities. Identifiers: Orphanet 317425, MedGen C4014833, MONDO:0014423, OMIM 615966.

Allele frequency attached by ClinVar (database versions not stated): gnomAD 0.00001; gnomAD exomes 0.00001 and 0.00002; TOPMed 0.00001.
gnomAD v4.1: 23 of 1,614,018 alleles (0.0014%); highest among the groups gnomAD compares: Admixed American, 0.005%; no homozygotes.

Submission:

Labcorp Genetics (formerly Invitae), Labcorp
Classification: Uncertain significance for Severe combined immunodeficiency due to DNA-PKcs deficiency. Last evaluated: 2023-10-29. Review status: criteria provided, single submitter. Criteria: Invitae Variant Classification Sherloc (09022015). Collection method: clinical testing. Allele origin: germline.
Comment: This sequence change replaces valine, which is neutral and non-polar, with alanine, which is neutral and non-polar, at codon 3985 of the PRKDC protein (p.Val3985Ala). This variant is present in population databases (no rsID available, gnomAD 0.006%). This variant has not been reported in the literature in individuals affected with PRKDC-related conditions. ClinVar contains an entry for this variant (Variation ID: 1045075). Advanced modeling of protein sequence and biophysical properties (such as structural, functional, and spatial information, amino acid conservation, physicochemical variation, residue mobility, and thermodynamic stability) performed at Invitae indicates that this missense variant is not expected to disrupt PRKDC protein function with a negative predictive value of 80%. In summary, the available evidence is currently insufficient to determine the role of this variant in disease. Therefore, it has been classified as a Variant of Uncertain Significance.